The following is an entry in ClinVar:

NM_020207.7(ERCC6L2):c.1787A>C (p.Asn596Thr)

Gene: ERCC6L2 (ERCC excision repair 6 like 2; plus strand). Cytogenetic location: 9q22.32.
Variant type: single nucleotide variant.
Coding change: c.1787A>C on transcript NM_020207.7 (MANE Select); coding-DNA position 1787, A replaced by C.
Protein change: p.Asn596Thr; replaces asparagine 596 with threonine.
Molecular consequence: missense variant. On other transcripts: non-coding transcript variant (1).
Genome position (GRCh38, 1-based): chr9:95,941,489, A>C. VCF-style: chr9-95941489-A-C. GRCh37 (hg19) VCF-style: chr9-98703771-A-C.
Other names: c.1787A>C, p.Asn596Thr (NM_001010895.4, NM_001375291.1, NM_001375292.1 and 2 more transcripts); short protein forms N596T.
Identifiers: ClinVar variation 5036083 (VCV005036083.1).

ClinVar aggregate classification (germline): Uncertain significance (1 of 4 stars; one submission).

Conditions:
Inborn genetic diseases. Identifiers: MedGen C0950123, MeSH D030342.

Submission:

Ambry Genetics
Classification: Uncertain significance for Inborn genetic diseases. Last evaluated: 2026-07-18. Review status: criteria provided, single submitter. Criteria: Ambry Variant Classification Scheme 2023. Collection method: clinical testing. Allele origin: germline.
Comment: The p.N596T variant (also known as c.1787A>C), located in coding exon 12 of the ERCC6L2 gene, results from an A to C substitution at nucleotide position 1787. The asparagine at codon 596 is replaced by threonine, an amino acid with similar properties. This amino acid position is conserved. In addition, the in silico prediction for this alteration is inconclusive. Based on the available evidence, the clinical significance of this variant remains unclear.